The following is an entry in ClinVar:

NM_012478.4(WBP2):c.634G>A (p.Asp212Asn)

Gene: WBP2 (WW domain binding protein 2; minus strand). Cytogenetic location: 17q25.1.
Variant type: single nucleotide variant.
Coding change: c.634G>A on transcript NM_012478.4 (MANE Select); coding-DNA position 634, G replaced by A.
Protein change: p.Asp212Asn; replaces aspartic acid 212 with asparagine.
Molecular consequence: missense variant.
Genome position (GRCh38, 1-based): chr17:75,847,508, C>T on the plus strand (G>A on the coding strand, the complement: WBP2 is on the minus strand). VCF-style: chr17-75847508-C-T. GRCh37 (hg19) VCF-style: chr17-73843589-C-T.
Other names: c.499G>A, p.Asp167Asn (NM_001330499.2); c.634G>A, p.Asp212Asn (NM_001348170.1); short protein forms D167N, D212N.
Identifiers: ClinVar variation 1402789 (VCV001402789.4), dbSNP rs375018959, ClinGen allele CA8773831.

ClinVar aggregate classification (germline): Uncertain significance (1 of 4 stars; one submission).

Allele frequency attached by ClinVar (database versions not stated): gnomAD 0.00003 and 0.00004; gnomAD exomes 0.00005 and 0.00008; TOPMed 0.00006; ESP Exome Variant Server 0.00008; ExAC 0.00013.
gnomAD v4.1: 79 of 1,590,130 alleles (0.005%); highest among the groups gnomAD compares: Middle Eastern, 0.034%; no homozygotes.

Submission:

Labcorp Genetics (formerly Invitae), Labcorp
Classification: Uncertain significance. Last evaluated: 2025-07-13. Review status: criteria provided, single submitter. Criteria: Invitae Variant Classification Sherloc (09022015). Collection method: clinical testing. Allele origin: germline.
Comment: This sequence change replaces aspartic acid, which is acidic and polar, with asparagine, which is neutral and polar, at codon 212 of the WBP2 protein (p.Asp212Asn). This variant is present in population databases (rs375018959, gnomAD 0.02%). This variant has not been reported in the literature in individuals affected with WBP2-related conditions. ClinVar contains an entry for this variant (Variation ID: 1402789). An algorithm developed to predict the effect of missense changes on protein structure and function outputs the following: PolyPhen-2: "Benign". The asparagine amino acid residue is found in multiple mammalian species, which suggests that this missense change does not adversely affect protein function. In summary, the available evidence is currently insufficient to determine the role of this variant in disease. Therefore, it has been classified as a Variant of Uncertain Significance.